The following is an entry in ClinVar:

NM_014874.4(MFN2):c.1434G>A (p.Met478Ile)

Gene: MFN2 (mitofusin 2; plus strand). Cytogenetic location: 1p36.22.
Variant type: single nucleotide variant.
Coding change: c.1434G>A on transcript NM_014874.4 (MANE Select); coding-DNA position 1434, G replaced by A.
Protein change: p.Met478Ile; replaces methionine 478 with isoleucine.
Molecular consequence: missense variant.
Genome position (GRCh38, 1-based): chr1:12,004,866, G>A. VCF-style: chr1-12004866-G-A. GRCh37 (hg19) VCF-style: chr1-12064923-G-A.
Other names: c.1434G>A, p.Met478Ile (NM_001127660.2); short protein forms M478I.
Identifiers: ClinVar variation 1772583 (VCV001772583.7), dbSNP rs1209964847, ClinGen allele CA338446722.

ClinVar aggregate classification (germline): Uncertain significance. Review status: criteria provided, multiple submitters, no conflicts (2 of 4 stars). 2 submissions from 2 submitters: Uncertain significance (2). Last evaluated 2025-10-29.

Conditions:
Charcot-Marie-Tooth disease type 2. Also called: Charcot-Marie-Tooth type 2. Identifiers: Orphanet 64746, MedGen C0270914, MONDO:0018993.
Inborn genetic diseases. Identifiers: MedGen C0950123, MeSH D030342.

Allele frequency attached by ClinVar (database versions not stated): gnomAD exomes 0.00001.
gnomAD v4.1: 4 of 1,613,898 alleles (0.00025%); highest among the groups gnomAD compares: Middle Eastern, 0.016%; no homozygotes.

Submissions (2):

Labcorp Genetics (formerly Invitae), Labcorp
Classification: Uncertain significance for Charcot-Marie-Tooth disease type 2. Last evaluated: 2025-10-29. Review status: criteria provided, single submitter. Criteria: Invitae Variant Classification Sherloc (09022015). Collection method: clinical testing. Allele origin: germline.
Comment: This sequence change replaces methionine, which is neutral and non-polar, with isoleucine, which is neutral and non-polar, at codon 478 of the MFN2 protein (p.Met478Ile). The frequency data for this variant in the population databases is considered unreliable, as metrics indicate poor data quality at this position in the gnomAD database. This variant has not been reported in the literature in individuals affected with MFN2-related conditions. ClinVar contains an entry for this variant (Variation ID: 1772583). Invitae Evidence Modeling of protein sequence and biophysical properties (such as structural, functional, and spatial information, amino acid conservation, physicochemical variation, residue mobility, and thermodynamic stability) has been performed for this missense variant. However, the output from this modeling did not meet the statistical confidence thresholds required to predict the impact of this variant on MFN2 protein function. In summary, the available evidence is currently insufficient to determine the role of this variant in disease. Therefore, it has been classified as a Variant of Uncertain Significance.

Ambry Genetics
Classification: Uncertain significance for Inborn genetic diseases. Last evaluated: 2022-01-04. Review status: criteria provided, single submitter. Criteria: Ambry Variant Classification Scheme 2023. Collection method: clinical testing. Allele origin: germline.
Comment: The p.M478I variant (also known as c.1434G>A), located in coding exon 12 of the MFN2 gene, results from a G to A substitution at nucleotide position 1434. The methionine at codon 478 is replaced by isoleucine, an amino acid with highly similar properties. This amino acid position is conserved. In addition, the in silico prediction for this alteration is inconclusive. Since supporting evidence is limited at this time, the clinical significance of this alteration remains unclear.